The following is an entry in ClinVar:

NM_004656.4(BAP1):c.2057-8C>T

Gene: BAP1 (BRCA1 associated deubiquitinase 1; minus strand). Cytogenetic location: 3p21.1.
Variant type: single nucleotide variant.
Coding change: c.2057-8C>T on transcript NM_004656.4 (MANE Select); 8 bases into the intron before coding-DNA position 2057, C replaced by T.
Molecular consequence: intron variant.
Genome position (GRCh38, 1-based): chr3:52,402,429, G>A on the plus strand (C>T on the coding strand, the complement: BAP1 is on the minus strand). VCF-style: chr3-52402429-G-A. GRCh37 (hg19) VCF-style: chr3-52436445-G-A.
Identifiers: ClinVar variation 1560571 (VCV001560571.9), dbSNP rs2153226123, ClinGen allele CA2573137273.

ClinVar aggregate classification (germline): Likely benign. Review status: criteria provided, multiple submitters, no conflicts (2 of 4 stars). 2 submissions from 2 submitters: Likely benign (2). Last evaluated 2024-07-17.

Conditions:
BAP1-related tumor predisposition syndrome (TPDS1). Also called: BAP1 tumor predisposition syndrome; Tumor susceptibility linked to germline BAP1 mutations; COMMON Syndrome; TUMOR PREDISPOSITION SYNDROME 1. Identifiers: Orphanet 289539, MedGen C3280492, MONDO:0013692, OMIM 614327.

gnomAD v4.1: 1 of 1,568,526 alleles (0.000064%); no homozygotes.

Submissions (2):

Myriad Genetics, Inc.
Classification: Likely benign for BAP1-related tumor predisposition syndrome. Last evaluated: 2024-07-17. Review status: criteria provided, single submitter. Criteria: Myriad Autosomal Dominant, Autosomal Recessive and X-Linked Classification Criteria (2023). Collection method: clinical testing. Allele origin: unknown.
Comment: This variant is considered likely benign. This variant is intronic and is not expected to impact mRNA splicing.

Labcorp Genetics (formerly Invitae), Labcorp
Classification: Likely benign for BAP1-related tumor predisposition syndrome. Last evaluated: 2021-11-11. Review status: criteria provided, single submitter. Criteria: Invitae Variant Classification Sherloc (09022015). Collection method: clinical testing. Allele origin: germline.